The following is an entry in ClinVar:

ClinVar aggregate classification (germline): Uncertain significance (1 of 4 stars; one submission).

Conditions:
GREB1L-related disorder. Also called: GREB1L-related condition.

gnomAD v4.1: 1 of 1,551,848 alleles (0.000064%); highest among the groups gnomAD compares: Non-Finnish European, 0.000087%; no homozygotes.

Submission:

PreventionGenetics, part of Exact Sciences
Classification: Uncertain significance for GREB1L-related condition. Last evaluated: 2025-05-27. Review status: criteria provided, single submitter. Criteria: ACMG Guidelines, 2015. Collection method: clinical testing. Allele origin: germline.
Comment: The GREB1L c.289G>T variant is predicted to result in the amino acid substitution p.Asp97Tyr. To our knowledge, this variant has not been reported in the literature or in a large population database (gnomAD), indicating it is rare. At this time, the clinical significance of this variant is uncertain due to the absence of conclusive functional and genetic evidence.

NM_001142966.3(GREB1L):c.289G>T (p.Asp97Tyr)

Genes: GREB1L (GREB1 like retinoic acid receptor coactivator; plus strand), GREB1L-AS1 (GREB1L antisense RNA 1; minus strand). Cytogenetic location: 18q11.1.
Variant type: single nucleotide variant.
Coding change: c.289G>T on transcript NM_001142966.3 (MANE Select); coding-DNA position 289, G replaced by T.
Protein change: p.Asp97Tyr; replaces aspartic acid 97 with tyrosine.
Molecular consequence: missense variant.
Genome position (GRCh38, 1-based): chr18:21,384,337, G>T. VCF-style: chr18-21384337-G-T. GRCh37 (hg19) VCF-style: chr18-18964298-G-T.
Other names: c.289G>T, p.Asp97Tyr (NM_001410867.1, NM_001410868.1); short protein forms D97Y.
Identifiers: ClinVar variation 4998153 (VCV004998153.1).